The following is an entry in ClinVar:

NM_001378183.1(PIEZO2):c.2997G>A (p.Pro999=)

Gene: PIEZO2 (piezo type mechanosensitive ion channel component 2; minus strand). Cytogenetic location: 18p11.22.
Variant type: single nucleotide variant.
Coding change: c.2997G>A on transcript NM_001378183.1 (MANE Select); coding-DNA position 2997, G replaced by A.
Protein change: p.Pro999=; no amino-acid change (proline 999 retained).
Molecular consequence: synonymous variant.
Genome position (GRCh38, 1-based): chr18:10,763,048, C>T on the plus strand (G>A on the coding strand, the complement: PIEZO2 is on the minus strand). VCF-style: chr18-10763048-C-T. GRCh37 (hg19) VCF-style: chr18-10763046-C-T.
Other names: c.2997G>A, p.Pro999= (NM_001410871.1); c.2922G>A, p.Pro974= (NM_022068.4).
Identifiers: ClinVar variation 3025389 (VCV003025389.22), dbSNP rs188464402, ClinGen allele CA8892598.

ClinVar aggregate classification (germline): Likely benign (1 of 4 stars; one submission).

Allele frequency attached by ClinVar (database versions not stated): ExAC 0.00005; 1000 Genomes Project 30x 0.00031; 1000 Genomes Project 0.00040.
gnomAD v4.1: 361 of 1,537,302 alleles (0.023%); highest among the groups gnomAD compares: Non-Finnish European, 0.03%; no homozygotes.

Submission:

CeGaT Center for Human Genetics Tuebingen
Classification: Likely benign. Last evaluated: 2024-01-01. Review status: criteria provided, single submitter. Criteria: CeGaT Center For Human Genetics Tuebingen Variant Classification Criteria Version 2. Collection method: clinical testing. Allele origin: germline. Affected: yes. Observed: 1 variant allele.
Comment: PIEZO2: BP4, BP7